The following is an entry in ClinVar:

NM_006493.4(CLN5):c.574T>G (p.Phe192Val)

Gene: CLN5 (CLN5 lysosomal BMP synthase; plus strand). Cytogenetic location: 13q22.3.
Variant type: single nucleotide variant.
Coding change: c.574T>G on transcript NM_006493.4 (MANE Select); coding-DNA position 574, T replaced by G.
Protein change: p.Phe192Val; replaces phenylalanine 192 with valine.
Molecular consequence: missense variant. On other transcripts: 3 prime UTR variant (1).
Genome position (GRCh38, 1-based): chr13:77,000,466, T>G. VCF-style: chr13-77000466-T-G. GRCh37 (hg19) VCF-style: chr13-77574601-T-G.
Other names: c.*23T>G (NM_001366624.2); c.721T>G (LRG_692t1); short protein forms F192V.
Identifiers: ClinVar variation 527741 (VCV000527741.8), dbSNP rs1555274325, ClinGen allele CA388311174.

ClinVar aggregate classification (germline): Uncertain significance (1 of 4 stars; one submission).

Conditions:
Neuronal ceroid lipofuscinosis. Also called: Neuronal Ceroid Lipofuscinoses. Identifiers: Orphanet 216, Orphanet 79263, MedGen C0027877, MONDO:0016295. Disease mechanism: loss of function.

Allele frequency attached by ClinVar (database versions not stated): TOPMed below 0.00001; gnomAD exomes 0.00001.
gnomAD v4.1: 8 of 1,612,986 alleles (0.0005%); highest among the groups gnomAD compares: Non-Finnish European, 0.00068%; no homozygotes.

Submission:

Labcorp Genetics (formerly Invitae), Labcorp
Classification: Uncertain significance for Neuronal ceroid lipofuscinosis. Last evaluated: 2020-04-06. Review status: criteria provided, single submitter. Criteria: Invitae Variant Classification Sherloc (09022015). Collection method: clinical testing. Allele origin: germline.
Comment: This sequence change replaces phenylalanine with valine at codon 241 of the CLN5 protein (p.Phe241Val). The phenylalanine residue is highly conserved and there is a small physicochemical difference between phenylalanine and valine. In summary, the available evidence is currently insufficient to determine the role of this variant in disease. Therefore, it has been classified as a Variant of Uncertain Significance. Algorithms developed to predict the effect of missense changes on protein structure and function (SIFT, PolyPhen-2, Align-GVGD) all suggest that this variant is likely to be disruptive, but these predictions have not been confirmed by published functional studies and their clinical significance is uncertain. This variant has not been reported in the literature in individuals with CLN5-related disease. This variant is not present in population databases (ExAC no frequency).